The following is an entry in ClinVar:

ClinVar aggregate classification (germline): Uncertain significance. Review status: criteria provided, multiple submitters, no conflicts (2 of 4 stars). 2 submissions from 2 submitters: Uncertain significance (2). Last evaluated 2025-06-22.

Conditions:
Autosomal dominant nonsyndromic hearing loss 17. Also called: Autosomal dominant nonsyndromic deafness 17; Deafness, autosomal dominant 17. Identifiers: Orphanet 90635, MedGen C1863659, MONDO:0011350, OMIM 603622.

gnomAD v4.1: 1 of 1,613,660 alleles (0.000062%); highest among the groups gnomAD compares: Non-Finnish European, 0.000085%; no homozygotes.

Submissions (2):

Labcorp Genetics (formerly Invitae), Labcorp
Classification: Uncertain significance. Last evaluated: 2025-06-22. Review status: criteria provided, single submitter. Criteria: Invitae Variant Classification Sherloc (09022015). Collection method: clinical testing. Allele origin: germline.
Comment: This sequence change replaces leucine, which is neutral and non-polar, with methionine, which is neutral and non-polar, at codon 1205 of the MYH9 protein (p.Leu1205Met). This variant is not present in population databases (gnomAD no frequency). This variant has not been reported in the literature in individuals affected with MYH9-related conditions. ClinVar contains an entry for this variant (Variation ID: 3393398). Invitae Evidence Modeling of protein sequence and biophysical properties (such as structural, functional, and spatial information, amino acid conservation, physicochemical variation, residue mobility, and thermodynamic stability) indicates that this missense variant is not expected to disrupt MYH9 protein function with a negative predictive value of 95%. In summary, the available evidence is currently insufficient to determine the role of this variant in disease. Therefore, it has been classified as a Variant of Uncertain Significance.

Laboratory of Prof. Karen Avraham, Tel Aviv University
Classification: Uncertain significance for Autosomal dominant nonsyndromic hearing loss 17. Last evaluated: 2024-12-26. Review status: criteria provided, single submitter. Criteria: ACMG Guidelines, 2015. Collection method: research. Allele origin: germline. Affected: yes. Observed: 1 variant allele.
Comment: The MYH9 c.3613C>A:p.(Leu1205Met) heterozygous variant is predicted deleterious and not found in gnomAD.

NM_002473.6(MYH9):c.3613C>A (p.Leu1205Met)

Gene: MYH9 (myosin heavy chain 9; minus strand). Cytogenetic location: 22q12.3.
Variant type: single nucleotide variant.
Coding change: c.3613C>A on transcript NM_002473.6 (MANE Select); coding-DNA position 3613, C replaced by A.
Protein change: p.Leu1205Met; replaces leucine 1205 with methionine.
Molecular consequence: missense variant.
Genome position (GRCh38, 1-based): chr22:36,294,949, G>T on the plus strand (C>A on the coding strand, the complement: MYH9 is on the minus strand). VCF-style: chr22-36294949-G-T. GRCh37 (hg19) VCF-style: chr22-36690995-G-T.
Other names: DFNA17; short protein forms L1205M.
Identifiers: ClinVar variation 3393398 (VCV003393398.2).